The following is an entry in ClinVar:

ClinVar aggregate classification (germline): Likely pathogenic (1 of 4 stars; one submission).

Conditions:
Early-infantile DEE. Also called: Ohtahara syndrome; Early infantile epileptic encephalopathy with suppression bursts; Early infantile epileptic encephalopathy. Identifiers: Orphanet 1934, MedGen C0393706, MONDO:0800491.

Submission:

Labcorp Genetics (formerly Invitae), Labcorp
Classification: Likely pathogenic for Early-infantile DEE. Last evaluated: 2020-05-04. Review status: criteria provided, single submitter. Criteria: Invitae Variant Classification Sherloc (09022015). Collection method: clinical testing. Allele origin: germline.
Comment: This sequence change replaces leucine with proline at codon 1679 of the SCN1A protein (p.Leu1679Pro). The leucine residue is highly conserved and there is a moderate physicochemical difference between leucine and proline. This variant is not present in population databases (ExAC no frequency). This variant has been observed in individual(s) with clinical features of SCN1A-related conditions (Invitae). In at least one individual the variant was observed to be de novo. Algorithms developed to predict the effect of missense changes on protein structure and function (SIFT, PolyPhen-2, Align-GVGD) all suggest that this variant is likely to be disruptive, but these predictions have not been confirmed by published functional studies and their clinical significance is uncertain. In summary, the currently available evidence indicates that the variant is pathogenic, but additional data are needed to prove that conclusively. Therefore, this variant has been classified as Likely Pathogenic.

NM_001165963.4(SCN1A):c.5036T>C (p.Leu1679Pro)

Genes: SCN1A (sodium voltage-gated channel alpha subunit 1; minus strand), LOC102724058 (uncharacterized LOC102724058; plus strand). Cytogenetic location: 2q24.3.
Variant type: single nucleotide variant.
Coding change: c.5036T>C on transcript NM_001165963.4 (MANE Select); coding-DNA position 5036, T replaced by C.
Protein change: p.Leu1679Pro; replaces leucine 1679 with proline.
Molecular consequence: missense variant. On other transcripts: non-coding transcript variant (1).
Genome position (GRCh38, 1-based): chr2:165,992,239, A>G on the plus strand (T>C on the coding strand, the complement: SCN1A is on the minus strand). VCF-style: chr2-165992239-A-G. GRCh37 (hg19) VCF-style: chr2-166848749-A-G.
Other names: c.4952T>C, p.Leu1651Pro (NM_001165964.3, NM_001353957.2, NM_001353958.2); c.5036T>C, p.Leu1679Pro (NM_001202435.3, NM_001353948.2); c.5003T>C, p.Leu1668Pro (NM_001353949.2, NM_001353950.2, NM_001353951.2 and 2 more transcripts); c.5000T>C, p.Leu1667Pro (NM_001353954.2, NM_001353955.2); c.4949T>C, p.Leu1650Pro (NM_001353960.2); c.2594T>C, p.Leu865Pro (NM_001353961.2); short protein forms L1650P, L1651P, L1667P, L1668P, L1679P, L865P.
Identifiers: ClinVar variation 1068270 (VCV001068270.10), dbSNP rs2105433264, ClinGen allele CA349069582.